The following is an entry in ClinVar:

ClinVar aggregate classification (germline): Likely pathogenic (1 of 4 stars; one submission).

Conditions:
Severe myoclonic epilepsy in infancy (DRVT). Also called: Epileptic encephalopathy, early infantile, 6 (Dravet syndrome); SEVERE MYOCLONIC EPILEPSY OF INFANCY; DEVELOPMENTAL AND EPILEPTIC ENCEPHALOPATHY 6A; Severe Myoclonic Epilepsy in Infancy (SMEI); Dravet syndrome. Identifiers: Orphanet 33069, MedGen C0751122, MONDO:0100135, OMIM 607208.

Submission:

Pele Pequeno Principe Research Institute, Faculdades Pequeno Principe
Classification: Likely pathogenic for Severe myoclonic epilepsy in infancy. Last evaluated: 2026-07-25. Review status: criteria provided, single submitter. Criteria: ACMG/ClinGen CNV Guidelines, 2019. Collection method: research. Allele origin: de novo. Inheritance: Sporadic. Affected: yes. Observed: 1 variant allele, 1 heterozygote.
Comment: This sequence change creates a frameshift beginning at codon 50 of the SCN1A protein, resulting in a premature termination codon shortly downstream. The predicted transcript is expected to undergo nonsense-mediated decay, leading to loss of function of the encoded protein. Loss-of-function is an established disease mechanism for SCN1A-related disorders, supporting application of ACMG criterion PVS1_Very Strong. This variant is absent from population databases (gnomAD), fulfilling ACMG criterion PM2_Supporting.

NM_001165963.4(SCN1A):c.149del (p.Lys50fs)

Gene: SCN1A (sodium voltage-gated channel alpha subunit 1; minus strand). Cytogenetic location: 2q24.3.
Variant type: Deletion.
Coding change: c.149del on transcript NM_001165963.4 (MANE Select); coding-DNA position 149, one base deleted (A; older notation c.149delA).
Protein change: p.Lys50fs; shifts the reading frame from lysine 50.
Molecular consequence: frameshift variant. On other transcripts: 5 prime UTR variant (1), non-coding transcript variant (1).
Genome position (GRCh38, 1-based): chr2:166,073,473, T deleted on the plus strand (A on the coding strand, the reverse complement: SCN1A is on the minus strand); the first of 3 consecutive T bases (chr2:166,073,473-166,073,475); deleting any one gives the same sequence. VCF-style (leftmost placement, unchanged base first): chr2-166073472-CT-C. GRCh37 (hg19) VCF-style: chr2-166929982-CT-C.
Other names: c.149del, p.Lys50fs (NM_001165964.3, NM_001202435.3, NM_001353948.2 and 10 more transcripts); c.-2277del (NM_001353961.2); short protein forms K50fs.
Identifiers: ClinVar variation 4880280 (VCV004880280.1).